The following is an entry in ClinVar:

ClinVar aggregate classification (germline): Pathogenic/Likely pathogenic. Review status: criteria provided, multiple submitters, no conflicts (2 of 4 stars). 12 submissions from 12 submitters: Pathogenic (5); Likely pathogenic (5). 2 of the submissions do not count toward it. Last evaluated 2026-04-01.

Conditions:
NPHS1-related disorder. Also called: NPHS1-related condition.
Nephrotic syndrome. Identifiers: MedGen C0027726, MONDO:0005377, HP:0000100.
Finnish congenital nephrotic syndrome (NPHS1). Also called: NEPHROTIC SYNDROME, TYPE 1. Identifiers: Orphanet 839, MedGen C0403399, MONDO:0009732, OMIM 256300.

Allele frequency attached by ClinVar (database versions not stated): TOPMed 0.00003.

Submissions (12):

PreventionGenetics, part of Exact Sciences
Classification: Pathogenic for NPHS1-related condition. Last evaluated: 2026-04-01. Review status: criteria provided, single submitter. Criteria: ACMG Guidelines, 2015. Collection method: clinical testing. Allele origin: germline.
Comment: The NPHS1 c.2404C>T variant is predicted to result in the amino acid substitution p.Arg802Trp. This variant has been reported to be pathogenic for congenital nephrotic syndrome due to impaired cell surface translocation (see for example, Lenkkeri et al. 1999. PubMed ID: 9915943; Liu et al. 2001. PubMed ID: 11726550; Supplement Document Table 2, Sinha et al. 2022. PubMed ID: 35497790). This variant is reported in 0.0040% of alleles in individuals of African descent in gnomAD. This variant is interpreted as pathogenic.

Victorian Clinical Genetics Services, Murdoch Childrens Research Institute
Classification: Pathogenic for Finnish congenital nephrotic syndrome. Last evaluated: 2025-08-19. Review status: criteria provided, single submitter. Criteria: ACMG Guidelines, 2015. Collection method: clinical testing. Allele origin: germline. Affected: yes.
Comment: This variant is classified as Pathogenic. Evidence in support of pathogenic classification: Variant is present in gnomAD <0.01 for a recessive condition (v4: 14 heterozygote(s), 0 homozygote(s)); This variant has strong previous evidence of pathogenicity in unrelated individuals. This variant has been classified as pathogenic/likely pathogenic by clinical laboratories in ClinVar, as well as once as a VUS. In addition, this variant has been reported in the literature in at least four homozygous or compound heterozygous individuals with congenital nephrotic syndrome (PMIDs: 9915943, 11854170, 25720465, 28392951, 23595123). Evidence in support of benign classification: Missense variant predicted to be tolerated by in silico tool(s) or not conserved in placental mammals with a minor amino acid change. Additional information: Variant is predicted to result in a missense amino acid change from arginine to tryptophan; This variant is heterozygous; This gene is associated with autosomal recessive disease; Alternative amino acid change(s) at the same position are present in gnomAD (Highest allele count: v4: 114 heterozygote(s), 0 homozygote(s)); Variant is located in the annotated immunoglobulin domain 3 (DECIPHER); Loss of function is a known mechanism of disease in this gene and is associated with nephrotic syndrome, type 1 (MIM#256300); Heterozygous variant detected in trans with a second PATHOGENIC heterozygous variant (NM_004646.4(NPHS1):c.2335-1G>A) in a recessive disease; Inheritance information for this variant is not currently available in this individual.

Natera, Inc.
Classification: Likely pathogenic for Finnish congenital nephrotic syndrome. Last evaluated: 2025-04-14. Review status: criteria provided, single submitter. Criteria: Natera Variant Classification Schema (03/2026). Collection method: clinical testing. Allele origin: germline.
Comment: The c.2404C>T variant in NPHS1 is a missense variant predicted to cause substitution of arginine to tryptophan at amino acid 802. This variant is rare in the general population with a frequency below the threshold expected for the associated phenotype(s). This variant has been observed in one or more individuals affected with the associated recessive disease, as either homozygous or compound heterozygous with a second variant (PMID: 9915943, 11854170, 25720465, 33368894). Computational prediction algorithms indicate this variant is likely to affect gene or protein function. Given the available evidence, this variant is classified as Likely Pathogenic.

GeneDx
Classification: Likely pathogenic. Last evaluated: 2024-07-23. Review status: criteria provided, single submitter. Criteria: GeneDx Variant Classification Process June 2021. Collection method: clinical testing. Allele origin: germline. Affected: yes.
Comment: In silico analysis supports that this missense variant has a deleterious effect on protein structure/function; Not observed at significant frequency in large population cohorts (gnomAD); This variant is associated with the following publications: (PMID: 11726550, 15213260, 9915943, 35497790, 11854170, 11317351, 33368894)

Revvity Omics, Revvity
Classification: Likely pathogenic for Finnish congenital nephrotic syndrome. Last evaluated: 2024-04-04. Review status: criteria provided, single submitter. Criteria: ACMG Guidelines, 2015. Collection method: clinical testing. Allele origin: germline.

Labcorp Genetics (formerly Invitae), Labcorp
Classification: Pathogenic. Last evaluated: 2024-02-16. Review status: criteria provided, single submitter. Criteria: Invitae Variant Classification Sherloc (09022015). Collection method: clinical testing. Allele origin: germline.
Comment: This sequence change replaces arginine, which is basic and polar, with tryptophan, which is neutral and slightly polar, at codon 802 of the NPHS1 protein (p.Arg802Trp). This variant is present in population databases (rs386833911, gnomAD 0.004%). This missense change has been observed in individuals with nephrotic syndrome (PMID: 9915943, 11854170, 23595123, 25720465). ClinVar contains an entry for this variant (Variation ID: 56471). Advanced modeling of protein sequence and biophysical properties (such as structural, functional, and spatial information, amino acid conservation, physicochemical variation, residue mobility, and thermodynamic stability) has been performed at Invitae for this missense variant, however the output from this modeling did not meet the statistical confidence thresholds required to predict the impact of this variant on NPHS1 protein function. This variant disrupts the p.Arg802 amino acid residue in NPHS1. Other variant(s) that disrupt this residue have been observed in individuals with NPHS1-related conditions (PMID: 9915943), which suggests that this may be a clinically significant amino acid residue. For these reasons, this variant has been classified as Pathogenic.

Fulgent Genetics
Classification: Likely pathogenic for Finnish congenital nephrotic syndrome. Last evaluated: 2024-01-30. Review status: criteria provided, single submitter. Criteria: ACMG Guidelines, 2015. Collection method: clinical testing. Allele origin: germline.

Women's Health and Genetics/Laboratory Corporation of America, LabCorp
Classification: Pathogenic for Finnish congenital nephrotic syndrome. Last evaluated: 2023-03-06. Review status: criteria provided, single submitter. Criteria: LabCorp Variant Classification Summary - May 2015. Collection method: clinical testing. Allele origin: germline.
Comment: Variant summary: NPHS1 c.2404C>T (p.Arg802Trp) results in a non-conservative amino acid change located in the immunoglobulin subtype 2 (IPR003598) of the encoded protein sequence. Three of five in-silico tools predict a damaging effect of the variant on protein function. The variant allele was found at a frequency of 1.2e-05 in 251444 control chromosomes (gnomAD). c.2404C>T has been reported in the literature as a biallelic genotype in multiple individuals affected with Nephrotic Syndrome, Type 1 (e.g. Lenkkeri_1999, Koziell_2002, Al-Hamed_2013, Cil_2015). These data indicate that the variant is very likely to be associated with disease. Experimental evidence indicates that the variant disrupts intracellular transport of the protein to the plasma membrane, suggesting it impairs function (Liu_2001). Four submitters have provided clinical-significance assessments for this variant to ClinVar after 2014 and classified the variant as pathogenic (n=2)/likely pathogenic (n=1), or VUS (n=1). Based on the evidence outlined above, the variant was classified as pathogenic.

Baylor Genetics
Classification: Pathogenic for Finnish congenital nephrotic syndrome. Last evaluated: 2022-01-10. Review status: criteria provided, single submitter. Criteria: ACMG Guidelines, 2015. Collection method: clinical testing. Allele origin: unknown.

Neuberg Centre For Genomic Medicine, NCGM
Classification: Likely pathogenic for Finnish congenital nephrotic syndrome. Review status: criteria provided, single submitter. Criteria: ACMG Guidelines, 2015. Collection method: clinical testing. Allele origin: germline. Inheritance: Autosomal recessive inheritance. Affected: yes.
Comment: The observed missense c.2404C>T (p.Arg802Trp) variant in NPHS1 gene has been reported previously in homozygous state in multiple individuals affected with nephrotic syndrome (Lenkkeri et al. 1999; Koziell et al. 2002; Al-Hamed et al. 2013). The p.Arg802Trp variant is present with an allele frequency of 0.001% in gnomAD exomes database. This variant has been submitted to the ClinVar database as Uncertain Significance / Likely Pathogenic / Pathogenic (multiple submissions). Computational evidence predicts conflicting interpretations on protein structure and function for this variant (Sift - damaging; Polyphen - probably damaging; Mutation Taster - polymorphism). The amino acid change p.Arg802Trp in NPHS1 is predicted as conserved by PhyloP across 100 vertebrates. The amino acid Arg at position 802 is changed to a Trp changing protein sequence and it might alter its composition and physico-chemical properties. Other variants [c.2405G>C (Arg802Pro); c. 2405G>T (p.Arg802Leu)] that disrupt this residue have previously been reported in individuals affected with nephrotic syndrome (Lenkkeri et al. 1999; Nguyen et al. 2017), suggesting that this is a clinically significant location. Additional studies will be required to prove the pathogenicity of this variant. For these reasons, this variant has been classified as Likely Pathogenic.

Sydney Genome Diagnostics, Children's Hospital Westmead
Classification: Uncertain significance for Nephrotic syndrome. Last evaluated: 2018-06-28. Review status: no assertion criteria provided. Collection method: clinical testing. Allele origin: unknown. Affected: yes. Observed: 1 variant allele, 1 compound heterozygote. Not counted in ClinVar's aggregate classification.
Comment: This variant has been previously reported as compound heterozygous (Lenkkeri et al 1999 Am J Hum Genet 64:51-61) and also as homozygous (Koziell et al 2002 Hum Mol Genet 11: 379-388) in patients with congenital nephrotic syndrome. This variant has been reported in the gnomAD browser with a very low allele frequency of 0.001% (4 out of 277,148 alleles). In silico analysis of pathogenicity (through Alamut Visual v2.8.1) is inconclusive regarding this change; PolyPhen2 and SIFT predict it to be likely pathogenic whereas MutationTaster predicts this variant to be benign. This variant is considered to be a variant of uncertain significance according to the ACMG guidelines.

Juha Muilu Group; Institute for Molecular Medicine Finland (FIMM)
Classification: Likely pathogenic for Finnish congenital nephrotic syndrome. Review status: no assertion criteria provided. Collection method: not provided. Allele origin: unknown. Not counted in ClinVar's aggregate classification.
Comment: FinDis database variant: This variant was not found or characterized by our laboratory, data were collected from public sources: see reference
ClinVar note: Converted during submission from probable-pathogenic to Likely pathogenic.

Literature cited by the submitters: PubMed 28392951 (cited by Victorian Clinical Genetics Services, Murdoch Childrens Research Institute); PubMed 25720465 (cited by 4 submitters); PubMed 23595123 (cited by 3 submitters); PubMed 11854170 (cited by 4 submitters); PubMed 9915943 (cited by 4 submitters); PubMed 33368894 (cited by Natera, Inc.); PubMed 11726550 (cited by Women's Health and Genetics/Laboratory Corporation of America, LabCorp).

NM_004646.4(NPHS1):c.2404C>T (p.Arg802Trp)

Gene: NPHS1 (NPHS1 adhesion molecule, nephrin; minus strand). Cytogenetic location: 19q13.12.
Variant type: single nucleotide variant.
Coding change: c.2404C>T on transcript NM_004646.4 (MANE Select); coding-DNA position 2404, C replaced by T.
Protein change: p.Arg802Trp; replaces arginine 802 with tryptophan.
Molecular consequence: missense variant.
Genome position (GRCh38, 1-based): chr19:35,842,481, G>A on the plus strand (C>T on the coding strand, the complement: NPHS1 is on the minus strand). VCF-style: chr19-35842481-G-A. GRCh37 (hg19) VCF-style: chr19-36333383-G-A.
Other names: short protein forms R802W.
Identifiers: ClinVar variation 56471 (VCV000056471.22), dbSNP rs386833911, ClinGen allele CA250181.
Genomic context (GRCh38, chr19:35,842,481, plus strand): 5'-CCCCATTGTCCACAATGCACTGGTAAGCGCCAGCCTGGGCCAGTTTGGCATGGTGAATCC[G>A]CAGGCGCCCCGTTGGTCCCCTGGATATCTTCTCCATGTCATCCAGGCTCTGGTCCTCCTC-3'
Protein context (NP_004637.1, residues 792-812): KISRGPTGRL[Arg802Trp]IHHAKLAQAG